The following is an entry in ClinVar:

NM_001482.3(GATM):c.138C>T (p.Ser46=)

Gene: GATM (glycine amidinotransferase; minus strand). Cytogenetic location: 15q21.1.
Variant type: single nucleotide variant.
Coding change: c.138C>T on transcript NM_001482.3 (MANE Select); coding-DNA position 138, C replaced by T.
Protein change: p.Ser46=; no amino-acid change (serine 46 retained).
Molecular consequence: synonymous variant. On other transcripts: 5 prime UTR variant (1).
Genome position (GRCh38, 1-based): chr15:45,376,751, G>A on the plus strand (C>T on the coding strand, the complement: GATM is on the minus strand). VCF-style: chr15-45376751-G-A. GRCh37 (hg19) VCF-style: chr15-45668949-G-A.
Other names: c.-250C>T (NM_001321015.2).
Identifiers: ClinVar variation 511581 (VCV000511581.12), dbSNP rs1012951622, ClinGen allele CA270173212.

ClinVar aggregate classification (germline): Likely benign. Review status: criteria provided, multiple submitters, no conflicts (2 of 4 stars). 3 submissions from 3 submitters: Likely benign (3). Last evaluated 2023-10-26.

Conditions:
Fanconi renotubular syndrome 1. Also called: Toni-Debre-Fanconi syndrome; Neonatal De Toni-Debre-Fanconi syndrome; De Toni-Fanconi syndrome; FRTS1; LUDER-SHELDON SYNDROME. Identifiers: MedGen C4551503, MONDO:0024525, OMIM 134600.
Arginine:glycine amidinotransferase deficiency (CCDS3). Also called: L-Arginine:Glycine Amidinotransferase (AGAT) Deficiency; Cerebral creatine deficiency syndrome 3; AGAT deficiency; L-Arginine:Glycine Amidinotransferase Deficiency; Creatine deficiency syndrome due to AGAT deficiency; GATM deficiency. Identifiers: Orphanet 35704, MedGen C2675179, MONDO:0012996, OMIM 612718.

Allele frequency attached by ClinVar (database versions not stated): gnomAD 0.00001; gnomAD exomes 0.00001; TOPMed 0.00001.

Submissions (3):

Labcorp Genetics (formerly Invitae), Labcorp
Classification: Likely benign for Arginine:glycine amidinotransferase deficiency. Last evaluated: 2023-10-26. Review status: criteria provided, single submitter. Criteria: Invitae Variant Classification Sherloc (09022015). Collection method: clinical testing. Allele origin: germline.

Fulgent Genetics
Classification: Likely benign for Fanconi renotubular syndrome 1; Arginine:glycine amidinotransferase deficiency. Last evaluated: 2022-04-23. Review status: criteria provided, single submitter. Criteria: ACMG Guidelines, 2015. Collection method: clinical testing. Allele origin: unknown.

GeneDx
Classification: Likely benign. Last evaluated: 2017-09-06. Review status: criteria provided, single submitter. Criteria: GeneDx Variant Classification (06012015). Collection method: clinical testing. Allele origin: germline. Affected: yes.
Comment: This variant is considered likely benign or benign based on one or more of the following criteria: it is a conservative change, it occurs at a poorly conserved position in the protein, it is predicted to be benign by multiple in silico algorithms, and/or has population frequency not consistent with disease.